The following is an entry in ClinVar:

ClinVar aggregate classification (germline): Uncertain significance (1 of 4 stars; one submission).

Conditions:
Developmental delay with variable intellectual impairment and behavioral abnormalities. Identifiers: MedGen C5193092, MONDO:0032745, OMIM 618430.

Submission:

New York Genome Center
Classification: Uncertain significance for Developmental delay with variable intellectual impairment and behavioral abnormalities. Last evaluated: 2020-01-09. Review status: criteria provided, single submitter. Criteria: NYGC Assertion Criteria 2020. Collection method: clinical testing. Allele origin: germline. Observed: 1 heterozygote. Study: CSER-NYCKidSeq.
Comment: The c.4237_4241delGCTTCinsCAGCT (p.Ala1413_Ser1414delinsGlnLeu) variant identified in the TCF20 gene is the deletion of 5 nucleotides and insertion of 5 different nucleotides, resulting in a two amino acid substitution at amino acids 1413-1414/1961 (coding exon 2/6). This region is well conserved, and this variant is absent from gnomAD, suggesting it is not a common benign variant in the populations represented in this database.This variant is absent from ClinVar and to our current knowledge has not been reported in affected individuals in the literature. The p.Ala1413 and p.Ser1414 residues are not within a mapped domain of TCF20, and there is no functional evidence available for this variant. Given the lack of compelling evidence supporting its pathogenicity, the c.4237_4241delGCTTCinsCAGCT (p.Ala1413_Ser1414delinsGlnLeu) variant identified in the TCF20 gene is reported as a Variant of UncertainSignificance.

NM_001378418.1(TCF20):c.4237_4241delinsCAGCT (p.Ala1413_Ser1414delinsGlnLeu)

Gene: TCF20 (transcription factor 20; minus strand). Cytogenetic location: 22q13.2.
Variant type: Indel.
Coding change: c.4237_4241delinsCAGCT on transcript NM_001378418.1 (MANE Select); coding-DNA positions 4237 to 4241, GCTTC replaced by CAGCT.
Protein change: p.Ala1413_Ser1414delinsGlnLeu.
Molecular consequence: missense variant.
Genome position (GRCh38, 1-based): chr22:42,211,065-42,211,069, GAAGC replaced by AGCTG on the plus strand (GCTTC replaced by CAGCT on the coding strand, the reverse complement: TCF20 is on the minus strand). VCF-style: chr22-42211065-GAAGC-AGCTG. GRCh37 (hg19) VCF-style: chr22-42607071-GAAGC-AGCTG.
Other names: c.4237_4241delinsCAGCT, p.Ala1413_Ser1414delinsGlnLeu (NM_005650.4, NM_181492.3).
Identifiers: ClinVar variation 977451 (VCV000977451.3), dbSNP rs1920947705, ClinGen allele CA1139667148.